The following is an entry in ClinVar:

NM_020812.4(DOCK6):c.650G>A (p.Arg217Gln)

Gene: DOCK6 (dedicator of cytokinesis 6; minus strand). Cytogenetic location: 19p13.2.
Variant type: single nucleotide variant.
Coding change: c.650G>A on transcript NM_020812.4 (MANE Select); coding-DNA position 650, G replaced by A.
Protein change: p.Arg217Gln; replaces arginine 217 with glutamine.
Molecular consequence: missense variant.
Genome position (GRCh38, 1-based): chr19:11,250,944, C>T on the plus strand (G>A on the coding strand, the complement: DOCK6 is on the minus strand). VCF-style: chr19-11250944-C-T. GRCh37 (hg19) VCF-style: chr19-11361620-C-T.
Other names: c.650G>A, p.Arg217Gln (NM_001367830.1); short protein forms R217Q.
Identifiers: ClinVar variation 785609 (VCV000785609.36), dbSNP rs35464191, ClinGen allele CA9208417.
Genomic context (GRCh38, chr19:11,250,944, plus strand): 5'-GCCGGGTAGAGGGTGAGCAGGGCCGGGGGCCGGTGCTGCCGTCGAAGGGTTTCATTGCGC[C>T]GGTCCACATCTTCTGGGGCCGCCCGCTCTAGCAGAGAGGGCAGCAATGAGTCAGCTGCCA-3'
Protein context (NP_065863.2, residues 207-227): LERAAPEDVD[Arg217Gln]RNETLRRQHR

ClinVar aggregate classification (germline): Likely benign. Review status: criteria provided, multiple submitters, no conflicts (2 of 4 stars). 4 submissions from 4 submitters: Likely benign (4). Last evaluated 2026-02-03.

Allele frequency attached by ClinVar (database versions not stated): ExAC 0.00081; gnomAD 0.00272 and 0.00292; TOPMed 0.00276; ESP Exome Variant Server 0.00298; 1000 Genomes Project 0.00459; 1000 Genomes Project 30x 0.00468.
gnomAD v4.1: 815 of 1,613,332 alleles (0.051%); highest among the groups gnomAD compares: African/African-American, 0.94%; 1 homozygote.

Submissions (4):

Labcorp Genetics (formerly Invitae), Labcorp
Classification: Likely benign. Last evaluated: 2026-02-03. Review status: criteria provided, single submitter. Criteria: Invitae Variant Classification Sherloc (09022015). Collection method: clinical testing. Allele origin: germline.

CeGaT Center for Human Genetics Tuebingen
Classification: Likely benign. Last evaluated: 2025-07-01. Review status: criteria provided, single submitter. Criteria: CeGaT Center For Human Genetics Tuebingen Variant Classification Criteria Version 2. Collection method: clinical testing. Allele origin: germline. Affected: yes. Observed: 2 variant alleles.
Comment: DOCK6: BP4

GeneDx
Classification: Likely benign. Last evaluated: 2020-10-16. Review status: criteria provided, single submitter. Criteria: GeneDx Variant Classification Process June 2021. Collection method: clinical testing. Allele origin: germline. Affected: yes.

Breakthrough Genomics
Classification: Likely benign. Review status: criteria provided, single submitter. Criteria: ACMG Guidelines, 2015. Collection method: not provided. Allele origin: germline. Inheritance: Autosomal recessive inheritance. Affected: yes.